The following is an entry in ClinVar:

ClinVar aggregate classification (germline): Uncertain significance. Review status: criteria provided, multiple submitters, no conflicts (2 of 4 stars). 2 submissions from 2 submitters: Uncertain significance (2). Last evaluated 2024-02-05.

Conditions:
Early-infantile DEE. Also called: Early infantile epileptic encephalopathy with suppression bursts; Early infantile epileptic encephalopathy; Ohtahara syndrome. Identifiers: Orphanet 1934, MedGen C0393706, MONDO:0800491.

Submissions (2):

GeneDx
Classification: Uncertain significance. Last evaluated: 2024-02-05. Review status: criteria provided, single submitter. Criteria: GeneDx Variant Classification Process June 2021. Collection method: clinical testing. Allele origin: germline. Affected: yes.
Comment: Not observed at significant frequency in large population cohorts (gnomAD); In silico analysis supports that this missense variant does not alter protein structure/function; Has not been previously published as pathogenic or benign to our knowledge

Labcorp Genetics (formerly Invitae), Labcorp
Classification: Uncertain significance for Early-infantile DEE. Last evaluated: 2021-04-12. Review status: criteria provided, single submitter. Criteria: Invitae Variant Classification Sherloc (09022015). Collection method: clinical testing. Allele origin: germline.
Comment: This variant is not present in population databases (ExAC no frequency). This sequence change replaces lysine with glutamic acid at codon 1843 of the SPTAN1 protein (p.Lys1843Glu). The lysine residue is moderately conserved and there is a small physicochemical difference between lysine and glutamic acid. This variant has not been reported in the literature in individuals with SPTAN1-related conditions. In summary, the available evidence is currently insufficient to determine the role of this variant in disease. Therefore, it has been classified as a Variant of Uncertain Significance. Algorithms developed to predict the effect of missense changes on protein structure and function (SIFT, PolyPhen-2, Align-GVGD) all suggest that this variant is likely to be tolerated, but these predictions have not been confirmed by published functional studies and their clinical significance is uncertain.

NM_001130438.3(SPTAN1):c.5527A>G (p.Lys1843Glu)

Gene: SPTAN1 (spectrin alpha, non-erythrocytic 1; plus strand). Cytogenetic location: 9q34.11.
Variant type: single nucleotide variant.
Coding change: c.5527A>G on transcript NM_001130438.3 (MANE Select); coding-DNA position 5527, A replaced by G.
Protein change: p.Lys1843Glu; replaces lysine 1843 with glutamic acid.
Molecular consequence: missense variant.
Genome position (GRCh38, 1-based): chr9:128,618,035, A>G. VCF-style: chr9-128618035-A-G. GRCh37 (hg19) VCF-style: chr9-131380314-A-G.
Other names: c.5452A>G, p.Lys1818Glu (NM_001195532.2); c.5527A>G, p.Lys1843Glu (NM_001363759.2, NM_001375310.1, NM_001375311.2 and 1 more transcripts); c.5467A>G, p.Lys1823Glu (NM_001363765.2, NM_001375314.2); c.5563A>G, p.Lys1855Glu (NM_001375312.2, NM_001375318.1); c.5512A>G, p.Lys1838Glu (NM_003127.4); c.5527A>G (NM_001130438.2); short protein forms K1838E, K1843E, K1855E, K1818E, K1823E.
Identifiers: ClinVar variation 1369237 (VCV001369237.10), dbSNP rs2131799096, ClinGen allele CA375077021.
Genomic context (GRCh38, chr9:128,618,035, plus strand): 5'-CTTGCCTGTCAGGGTGTCCTGGACACTGGCAAGAAGCTGTCCGATGACAACACCATCGGG[A>G]AAGAGGAGATCCAGCAGCGGCTGGCGCAGTTTGTGGAGCACTGGAAAGAGCTGAAGCAGC-3'
Protein context (NP_001123910.1, residues 1833-1853): KKLSDDNTIG[Lys1843Glu]EEIQQRLAQF